The following is an entry in ClinVar:

ClinVar aggregate classification (germline): Uncertain significance (1 of 4 stars; one submission).

Submission:

GeneDx
Classification: Uncertain significance. Last evaluated: 2024-11-24. Review status: criteria provided, single submitter. Criteria: GeneDx Variant Classification Process June 2021. Collection method: clinical testing. Allele origin: germline. Affected: yes.
Comment: Not observed at significant frequency in large population cohorts (gnomAD); Missense variants in this gene are a common cause of disease and they are underrepresented in the general population; In silico analysis indicates that this missense variant does not alter protein structure/function; Has not been previously published as pathogenic or benign to our knowledge

NM_002880.4(RAF1):c.16G>C (p.Gly6Arg)

Gene: RAF1 (Raf-1 proto-oncogene, serine/threonine kinase; minus strand). Cytogenetic location: 3p25.2.
Variant type: single nucleotide variant.
Coding change: c.16G>C on transcript NM_002880.4 (MANE Select); coding-DNA position 16, G replaced by C.
Protein change: p.Gly6Arg; replaces glycine 6 with arginine.
Molecular consequence: missense variant. On other transcripts: 5 prime UTR variant (4), non-coding transcript variant (3).
Genome position (GRCh38, 1-based): chr3:12,618,706, C>G on the plus strand (G>C on the coding strand, the complement: RAF1 is on the minus strand). VCF-style: chr3-12618706-C-G. GRCh37 (hg19) VCF-style: chr3-12660205-C-G.
Other names: c.16G>C, p.Gly6Arg (NM_001354689.3, NM_001354690.3, NM_001354693.3); c.-115G>C (NM_001354691.3, NM_001354692.3, NM_001354694.3 and 1 more transcripts); short protein forms G6R.
Identifiers: ClinVar variation 3900392 (VCV003900392.1).
Genomic context (GRCh38, chr3:12,618,706, plus strand): 5'-TGGAGCCATCAAACACGGCATCTTTGAATCCAAAACCATTGCTGATCGTCTTCCAAGCTC[C>G]CTGTATGTGCTCCATTGATGCAGCTTAAACAATTCTTAAACCTGGTAAGAAACACAAATA-3'
Protein context (NP_002871.1, residues 1-16): MEHIQ[Gly6Arg]AWKTISNGFG